The following is an entry in ClinVar:

ClinVar aggregate classification (germline): Pathogenic (1 of 4 stars; one submission).

Conditions:
Nemaline myopathy 2 (NEM2). Also called: Nemaline myopathy 2, autosomal recessive. Identifiers: MedGen C1850569, MONDO:0009725, OMIM 256030.

Submission:

Labcorp Genetics (formerly Invitae), Labcorp
Classification: Pathogenic for Nemaline myopathy 2. Last evaluated: 2022-03-18. Review status: criteria provided, single submitter. Criteria: Invitae Variant Classification Sherloc (09022015). Collection method: clinical testing. Allele origin: germline.
Comment: This variant occurs in a region of NEB (Exons 82-105) consisting of three highly homologous 8-exon repeat units (exons 82-89, exons 90-97, exons 98-105). Sequence variants in this region can be detected, but this assay cannot determine which of the three repeat units is affected, and zygosity is often ambiguous. All variants in this region are reported relative to the exon 82-89 repeat. It is expected to result in an absent or disrupted protein product. Loss-of-function variants in NEB are known to be pathogenic (PMID: 25205138). The frequency data for this variant in the population databases (gnomAD) is considered unreliable due to the presence of homologous sequence, such as pseudogenes or paralogs, in the genome. This variant has not been reported in the literature in individuals affected with NEB-related conditions. For these reasons, this variant has been classified as Pathogenic.

Literature cited by the submitters: PubMed 25205138.

NM_001164508.2(NEB):c.13411dup (p.Tyr4471fs)

Gene: NEB (nebulin; minus strand). Cytogenetic location: 2q23.3.
Variant type: Duplication.
Coding change: c.13411dup on transcript NM_001164508.2 (MANE Select); coding-DNA position 13411, one base duplicated (T; older notation c.13411dupT).
Protein change: p.Tyr4471fs; shifts the reading frame from tyrosine 4471.
Molecular consequence: frameshift variant. On other transcripts: intron variant (1).
Genome position (GRCh38, 1-based): chr2:151,601,966, A duplicated on the plus strand (T on the coding strand, the reverse complement: NEB is on the minus strand); the first of 2 consecutive A bases (chr2:151,601,966-151,601,967); duplicating either gives the same sequence. VCF-style (leftmost placement, unchanged base first): chr2-151601965-T-TA. GRCh37 (hg19) VCF-style: chr2-152458479-T-TA.
Other names: c.13411dup, p.Tyr4471fs (NM_001164507.2, NM_001271208.2); c.11601+7843dup (NM_004543.5); short protein forms Y4471fs.
Identifiers: ClinVar variation 2113235 (VCV002113235.4), dbSNP rs2552220869, ClinGen allele CA2580063936.